The following is an entry in ClinVar:

ClinVar aggregate classification (germline): Uncertain significance (1 of 4 stars; one submission).

Allele frequency attached by ClinVar (database versions not stated): TOPMed 0.00001.

Submission:

Labcorp Genetics (formerly Invitae), Labcorp
Classification: Uncertain significance. Last evaluated: 2023-10-23. Review status: criteria provided, single submitter. Criteria: Invitae Variant Classification Sherloc (09022015). Collection method: clinical testing. Allele origin: germline.
Comment: This sequence change replaces proline, which is neutral and non-polar, with histidine, which is basic and polar, at codon 1753 of the COL7A1 protein (p.Pro1753His). This variant is not present in population databases (gnomAD no frequency). This variant has not been reported in the literature in individuals affected with COL7A1-related conditions. Advanced modeling of protein sequence and biophysical properties (such as structural, functional, and spatial information, amino acid conservation, physicochemical variation, residue mobility, and thermodynamic stability) has been performed at Invitae for this missense variant, however the output from this modeling did not meet the statistical confidence thresholds required to predict the impact of this variant on COL7A1 protein function. In summary, the available evidence is currently insufficient to determine the role of this variant in disease. Therefore, it has been classified as a Variant of Uncertain Significance.

NM_000094.4(COL7A1):c.5258C>A (p.Pro1753His)

Gene: COL7A1 (collagen type VII alpha 1 chain; minus strand). Cytogenetic location: 3p21.31.
Variant type: single nucleotide variant.
Coding change: c.5258C>A on transcript NM_000094.4 (MANE Select); coding-DNA position 5258, C replaced by A.
Protein change: p.Pro1753His; replaces proline 1753 with histidine.
Molecular consequence: missense variant.
Genome position (GRCh38, 1-based): chr3:48,579,493, G>T on the plus strand (C>A on the coding strand, the complement: COL7A1 is on the minus strand). VCF-style: chr3-48579493-G-T. GRCh37 (hg19) VCF-style: chr3-48616926-G-T.
Other names: short protein forms P1753H.
Identifiers: ClinVar variation 3019644 (VCV003019644.3), dbSNP rs2044572719, ClinGen allele CA352676746.